The following is an entry in ClinVar:

NM_006231.4(POLE):c.2116G>A (p.Ala706Thr)

Gene: POLE (DNA polymerase epsilon, catalytic subunit; minus strand). Cytogenetic location: 12q24.33.
Variant type: single nucleotide variant.
Coding change: c.2116G>A on transcript NM_006231.4 (MANE Select); coding-DNA position 2116, G replaced by A.
Protein change: p.Ala706Thr; replaces alanine 706 with threonine.
Molecular consequence: missense variant.
Genome position (GRCh38, 1-based): chr12:132,668,413, C>T on the plus strand (G>A on the coding strand, the complement: POLE is on the minus strand). VCF-style: chr12-132668413-C-T. GRCh37 (hg19) VCF-style: chr12-133244999-C-T.
Other names: short protein forms A706T.
Identifiers: ClinVar variation 1421281 (VCV001421281.8), dbSNP rs2135975199, ClinGen allele CA387353871.
Genomic context (GRCh38, chr12:132,668,413, plus strand): 5'-CACCCGCCAGCCTTCTCTTCTCGTATTTCGCCTGTTCCTCGCGGGACAGTTCATGAAAGG[C>T]CCGAGCTGGCCCCTCTGGGAACAAGGGGGGGAACTTCTCTGACTCCAGCTGGTGCTGGAT-3'
Protein context (NP_006222.2, residues 696-716): PPLFPEGPAR[Ala706Thr]FHELSREEQA

ClinVar aggregate classification (germline): Uncertain significance (1 of 4 stars; one submission).

Submission:

Labcorp Genetics (formerly Invitae), Labcorp
Classification: Uncertain significance. Last evaluated: 2025-04-01. Review status: criteria provided, single submitter. Criteria: Invitae Variant Classification Sherloc (09022015). Collection method: clinical testing. Allele origin: germline.
Comment: This sequence change replaces alanine, which is neutral and non-polar, with threonine, which is neutral and polar, at codon 706 of the POLE protein (p.Ala706Thr). This variant is not present in population databases (gnomAD no frequency). This variant has not been reported in the literature in individuals affected with POLE-related conditions. ClinVar contains an entry for this variant (Variation ID: 1421281). Invitae Evidence Modeling of protein sequence and biophysical properties (such as structural, functional, and spatial information, amino acid conservation, physicochemical variation, residue mobility, and thermodynamic stability) indicates that this missense variant is not expected to disrupt POLE protein function with a negative predictive value of 80%. In summary, the available evidence is currently insufficient to determine the role of this variant in disease. Therefore, it has been classified as a Variant of Uncertain Significance.